The following is an entry in ClinVar:

NM_022124.6(CDH23):c.8246A>T (p.Asn2749Ile)

Gene: CDH23 (cadherin related 23; plus strand). Cytogenetic location: 10q22.1.
Variant type: single nucleotide variant.
Coding change: c.8246A>T on transcript NM_022124.6 (MANE Select); coding-DNA position 8246, A replaced by T.
Protein change: p.Asn2749Ile; replaces asparagine 2749 with isoleucine.
Molecular consequence: missense variant.
Genome position (GRCh38, 1-based): chr10:71,807,344, A>T. VCF-style: chr10-71807344-A-T. GRCh37 (hg19) VCF-style: chr10-73567101-A-T.
Other names: c.1526A>T, p.Asn509Ile (NM_001171933.1, NM_001171934.1); short protein forms N2749I, N509I.
Identifiers: ClinVar variation 3998986 (VCV003998986.2).

ClinVar aggregate classification (germline): Uncertain significance. Review status: criteria provided, multiple submitters, no conflicts (2 of 4 stars). 2 submissions from 2 submitters: Uncertain significance (2). Last evaluated 2025-06-10.

Conditions:
Inborn genetic diseases. Identifiers: MedGen C0950123, MeSH D030342.

gnomAD v4.1: 1 of 1,613,926 alleles (0.000062%); highest among the groups gnomAD compares: Non-Finnish European, 0.000085%; no homozygotes.

Submissions (2):

Ambry Genetics
Classification: Uncertain significance for Inborn genetic diseases. Last evaluated: 2025-06-10. Review status: criteria provided, single submitter. Criteria: Ambry Variant Classification Scheme 2023. Collection method: clinical testing. Allele origin: germline.

GeneDx
Classification: Uncertain significance. Last evaluated: 2025-01-21. Review status: criteria provided, single submitter. Criteria: GeneDx Variant Classification Process June 2021. Collection method: clinical testing. Allele origin: germline. Affected: yes.
Comment: Not observed at significant frequency in large population cohorts (gnomAD); In silico analysis indicates that this missense variant does not alter protein structure/function; Has not been previously published as pathogenic or benign to our knowledge